The following is an entry in ClinVar:

ClinVar aggregate classification (germline): Uncertain significance (1 of 4 stars; one submission).

Allele frequency attached by ClinVar (database versions not stated): ExAC 0.00001; gnomAD 0.00001; gnomAD exomes 0.00001 and 0.00002; TOPMed 0.00001; ESP Exome Variant Server 0.00008.
gnomAD v4.1: 28 of 1,614,048 alleles (0.0017%); highest among the groups gnomAD compares: Non-Finnish European, 0.002%; no homozygotes.

Submission:

Labcorp Genetics (formerly Invitae), Labcorp
Classification: Uncertain significance. Last evaluated: 2021-09-24. Review status: criteria provided, single submitter. Criteria: Invitae Variant Classification Sherloc (09022015). Collection method: clinical testing. Allele origin: germline.
Comment: This sequence change replaces asparagine with serine at codon 2590 of the LRP2 protein (p.Asn2590Ser). The asparagine residue is weakly conserved and there is a small physicochemical difference between asparagine and serine. This variant is present in population databases (rs368708131, ExAC 0.002%). This variant has not been reported in the literature in individuals with LRP2-related conditions. Advanced modeling of protein sequence and biophysical properties (such as structural, functional, and spatial information, amino acid conservation, physicochemical variation, residue mobility, and thermodynamic stability) performed at Invitae indicates that this missense variant is not expected to disrupt LRP2 protein function. In summary, the available evidence is currently insufficient to determine the role of this variant in disease. Therefore, it has been classified as a Variant of Uncertain Significance.

NM_004525.3(LRP2):c.7769A>G (p.Asn2590Ser)

Gene: LRP2 (LDL receptor related protein 2; minus strand). Cytogenetic location: 2q31.1.
Variant type: single nucleotide variant.
Coding change: c.7769A>G on transcript NM_004525.3 (MANE Select); coding-DNA position 7769, A replaced by G.
Protein change: p.Asn2590Ser; replaces asparagine 2590 with serine.
Molecular consequence: missense variant.
Genome position (GRCh38, 1-based): chr2:169,204,218, T>C on the plus strand (A>G on the coding strand, the complement: LRP2 is on the minus strand). VCF-style: chr2-169204218-T-C. GRCh37 (hg19) VCF-style: chr2-170060728-T-C.
Other names: short protein forms N2590S.
Identifiers: ClinVar variation 1517300 (VCV001517300.5), dbSNP rs368708131, ClinGen allele CA1954006.
Genomic context (GRCh38, chr2:169,204,218, plus strand): 5'-AAGTCAGTCCAGTAAATATACTGGCCATAGAGAGTCAAGCCAAAAGCATGAACGGCTGCA[T>C]TGACAATGACTTCACGATCCACGCCCGTCAGAGTGCTGCGTTCAATCCTCTGCCTAAAAT-3'
Protein context (NP_004516.2, residues 2580-2600): LTGVDREVIV[Asn2590Ser]AAVHAFGLTL